The following is an entry in ClinVar:

NM_001130987.2(DYSF):c.759+206G>C

Gene: DYSF (dysferlin; plus strand). Cytogenetic location: 2p13.2.
Variant type: single nucleotide variant.
Coding change: c.759+206G>C on transcript NM_001130987.2 (MANE Select); 206 bases into the intron after coding-DNA position 759, G replaced by C.
Molecular consequence: intron variant.
Genome position (GRCh38, 1-based): chr2:71,514,127, G>C. VCF-style: chr2-71514127-G-C. GRCh37 (hg19) VCF-style: chr2-71741257-G-C.
Other names: c.756+206G>C (NM_001130979.2, NM_001130981.2, NM_001130980.2); c.663+206G>C (NM_001130978.2, NM_003494.4, NM_001130977.2 and 1 more transcripts); c.759+206G>C (NM_001130982.2, NM_001130985.2); c.666+206G>C (NM_001130983.2, NM_001130455.2, NM_001130984.2 and 1 more transcripts).
Identifiers: ClinVar variation 679369 (VCV000679369.1), dbSNP rs55816929, ClinGen allele CA11274234.
Genomic context (GRCh38, chr2:71,514,127, plus strand): 5'-GGCCTGGGCAGATGCCAAACAGGGAGTTCACATCTTACATCCACAGAATAAGCTTCTGCC[G>C]AGACCTGTGGTTTTGCGCTTAAAAAAAAAAAAAAAAAAAAAGTCACTGCAGAGATTCAGC-3'

ClinVar aggregate classification (germline): Benign (1 of 4 stars; one submission).

Allele frequency attached by ClinVar (database versions not stated): 1000 Genomes Project 0.19529; 1000 Genomes Project 30x 0.20425; TOPMed 0.23710.
gnomAD v4.1: 33,187 of 143,450 alleles (23%); highest among the groups gnomAD compares: African/African-American, 40%; 4,618 homozygotes.

Submission:

GeneDx
Classification: Benign. Last evaluated: 2018-06-14. Review status: criteria provided, single submitter. Criteria: GeneDx Variant Classification (06012015). Collection method: clinical testing. Allele origin: germline. Affected: yes.
Comment: This variant is considered likely benign or benign based on one or more of the following criteria: it is a conservative change, it occurs at a poorly conserved position in the protein, it is predicted to be benign by multiple in silico algorithms, and/or has population frequency not consistent with disease.